The following is an entry in ClinVar:

ClinVar aggregate classification (germline): Uncertain significance. Review status: criteria provided, multiple submitters, no conflicts (2 of 4 stars). 2 submissions from 2 submitters: Uncertain significance (2). Last evaluated 2023-12-30.

Conditions:
Immunodeficiency 65, susceptibility to viral infections. Identifiers: MedGen C5231441, MONDO:0032848, OMIM 618648.

Allele frequency attached by ClinVar (database versions not stated): TOPMed below 0.00001; ExAC 0.00001; gnomAD 0.00001; gnomAD exomes 0.00004.

Submissions (2):

Pittsburgh Clinical Genomics Laboratory, University of Pittsburgh Medical Center
Classification: Uncertain significance for Immunodeficiency 65, susceptibility to viral infections. Last evaluated: 2023-12-30. Review status: criteria provided, single submitter. Criteria: ACMG Guidelines, 2015. Collection method: clinical testing. Allele origin: germline. Inheritance: Autosomal recessive inheritance. Affected: yes.
Comment: This sequence variant is a single nucleotide substitution (G>A) at position 713 of the coding sequence of the IRF9 gene that results in a serine to asparagine amino acid change at residue 238 of the interferon regulatory factor 9 protein. This variant is absent from ClinVar but is present in 2 of 401630 alleles (0.0005%) in the gnomAD population dataset. This variant has not been observed in the published literature in an individual affected by an IRF9-related disorder, to our knowledge. Multiple bioinformatic tools predict that this serine to asparagine amino acid change would be neutral, and the Ser238 residue at this position is moderately conserved across the vertebrate species examined. Studies examining the functional consequence of this variant have not been published, to our knowledge. At this time, there is insufficient evidence to determine if this variant is pathogenic or benign. Therefore, we consider this a variant of uncertain significance. ACMG Criteria: BP4, PM2

Labcorp Genetics (formerly Invitae), Labcorp
Classification: Uncertain significance. Last evaluated: 2023-06-06. Review status: criteria provided, single submitter. Criteria: Invitae Variant Classification Sherloc (09022015). Collection method: clinical testing. Allele origin: germline.
Comment: This variant has not been reported in the literature in individuals affected with IRF9-related conditions. In summary, the available evidence is currently insufficient to determine the role of this variant in disease. Therefore, it has been classified as a Variant of Uncertain Significance. An algorithm developed to predict the effect of missense changes on protein structure and function (PolyPhen-2) suggests that this variant is likely to be disruptive. This variant is present in population databases (rs746434989, gnomAD 0.002%). This sequence change replaces serine, which is neutral and polar, with asparagine, which is neutral and polar, at codon 238 of the IRF9 protein (p.Ser238Asn).

NM_006084.5(IRF9):c.713G>A (p.Ser238Asn)

Gene: IRF9 (interferon regulatory factor 9; plus strand). Cytogenetic location: 14q12.
Variant type: single nucleotide variant.
Coding change: c.713G>A on transcript NM_006084.5 (MANE Select); coding-DNA position 713, G replaced by A.
Protein change: p.Ser238Asn; replaces serine 238 with asparagine.
Molecular consequence: missense variant. On other transcripts: intron variant (1).
Genome position (GRCh38, 1-based): chr14:24,164,677, G>A. VCF-style: chr14-24164677-G-A. GRCh37 (hg19) VCF-style: chr14-24633886-G-A.
Other names: c.740G>A, p.Ser247Asn (NM_001385400.1, NM_001385401.1); c.650-200G>A (NM_001385402.1); short protein forms S238N, S247N.
Identifiers: ClinVar variation 2963313 (VCV002963313.4), dbSNP rs746434989, ClinGen allele CA7126550.